The following is an entry in ClinVar:

ClinVar aggregate classification (germline): Uncertain significance (1 of 4 stars; one submission).

gnomAD v4.1: 2 of 1,613,952 alleles (0.00012%); highest among the groups gnomAD compares: Non-Finnish European, 0.00017%; no homozygotes.

Submission:

Ambry Genetics
Classification: Uncertain significance. Last evaluated: 2026-04-04. Review status: criteria provided, single submitter. Criteria: Ambry Variant Classification Scheme 2023. Collection method: clinical testing. Allele origin: germline.
Comment: The p.A328T variant (also known as c.982G>A), located in coding exon 9 of the RAD51B gene, results from a G to A substitution at nucleotide position 982. The alanine at codon 328 is replaced by threonine, an amino acid with similar properties. This amino acid position is conserved. In addition, the in silico prediction for this alteration is inconclusive. Based on the available evidence, the clinical significance of this variant remains unclear.

NM_133510.4(RAD51B):c.982G>A (p.Ala328Thr)

Gene: RAD51B (RAD51 paralog B; plus strand). Cytogenetic location: 14q24.1.
Variant type: single nucleotide variant.
Coding change: c.982G>A on transcript NM_133510.4 (MANE Select); coding-DNA position 982, G replaced by A.
Protein change: p.Ala328Thr; replaces alanine 328 with threonine.
Molecular consequence: missense variant.
Genome position (GRCh38, 1-based): chr14:68,468,196, G>A. VCF-style: chr14-68468196-G-A. GRCh37 (hg19) VCF-style: chr14-68934913-G-A.
Other names: c.982G>A, p.Ala328Thr (NM_001321809.2, NM_001321810.2, NM_001321812.1 and 6 more transcripts); c.868G>A, p.Ala290Thr (NM_001321815.1); c.625G>A, p.Ala209Thr (NM_001321817.2); short protein forms A209T, A290T, A328T.
Identifiers: ClinVar variation 4862880 (VCV004862880.1).